The following is an entry in ClinVar:

NM_001378418.1(TCF20):c.185C>T (p.Ala62Val)

Gene: TCF20 (transcription factor 20; minus strand). Cytogenetic location: 22q13.2.
Variant type: single nucleotide variant.
Coding change: c.185C>T on transcript NM_001378418.1 (MANE Select); coding-DNA position 185, C replaced by T.
Protein change: p.Ala62Val; replaces alanine 62 with valine.
Molecular consequence: missense variant.
Genome position (GRCh38, 1-based): chr22:42,215,121, G>A on the plus strand (C>T on the coding strand, the complement: TCF20 is on the minus strand). VCF-style: chr22-42215121-G-A. GRCh37 (hg19) VCF-style: chr22-42611127-G-A.
Other names: c.185C>T, p.Ala62Val (NM_005650.4, NM_181492.3); short protein forms A62V.
Identifiers: ClinVar variation 1487713 (VCV001487713.6), dbSNP rs2147223873, ClinGen allele CA411793543.
Genomic context (GRCh38, chr22:42,215,121, plus strand): 5'-AAACCCTGGTAACCTTGATGGCCAGAGGTCTCGCTAGCCATCGCTGCCGCAGCAGCTGCT[G>A]CTCCTCGTCGTCCACCACCACTGCCACTGCCACTGCTGCCACTACTGCCACCTGTACCTC-3'
Protein context (NP_001365347.1, residues 52-72): GSGSGGGRRG[Ala62Val]AAAAAAMASE

ClinVar aggregate classification (germline): Uncertain significance (1 of 4 stars; one submission).

Submission:

Labcorp Genetics (formerly Invitae), Labcorp
Classification: Uncertain significance. Last evaluated: 2021-05-03. Review status: criteria provided, single submitter. Criteria: Invitae Variant Classification Sherloc (09022015). Collection method: clinical testing. Allele origin: germline.
Comment: This sequence change replaces alanine with valine at codon 62 of the TCF20 protein (p.Ala62Val). The alanine residue is weakly conserved and there is a small physicochemical difference between alanine and valine. In summary, the available evidence is currently insufficient to determine the role of this variant in disease. Therefore, it has been classified as a Variant of Uncertain Significance. This variant is not present in population databases (ExAC no frequency). This variant has not been reported in the literature in individuals with TCF20-related conditions. Algorithms developed to predict the effect of missense changes on protein structure and function (SIFT, PolyPhen-2, Align-GVGD) all suggest that this variant is likely to be tolerated, but these predictions have not been confirmed by published functional studies and their clinical significance is uncertain.